The following is an entry in ClinVar:

ClinVar aggregate classification (germline): Benign/Likely benign. Review status: criteria provided, multiple submitters, no conflicts (2 of 4 stars). 2 submissions from 2 submitters: Benign (1); Likely benign (1). Last evaluated 2025-02-16.

Allele frequency attached by ClinVar (database versions not stated): ExAC 0.00002; gnomAD 0.00005; gnomAD exomes 0.00005; TOPMed 0.00006.
gnomAD v4.1: 80 of 1,612,948 alleles (0.005%); highest among the groups gnomAD compares: Admixed American, 0.0083%; no homozygotes.

Submissions (2):

Laboratory of Genetics, Children's Clinical University Hospital Latvia
Classification: Benign. Last evaluated: 2025-02-16. Review status: criteria provided, single submitter. Criteria: ACMG Guidelines, 2015. Collection method: clinical testing. Allele origin: germline. Affected: yes.

CeGaT Center for Human Genetics Tuebingen
Classification: Likely benign. Last evaluated: 2024-06-01. Review status: criteria provided, single submitter. Criteria: CeGaT Center For Human Genetics Tuebingen Variant Classification Criteria Version 2. Collection method: clinical testing. Allele origin: germline. Affected: yes. Observed: 1 variant allele.
Comment: SETD1A: BP4, BP7

NM_014712.3(SETD1A):c.2769C>T (p.Asp923=)

Gene: SETD1A (SET domain containing 1A, histone lysine methyltransferase; plus strand). Cytogenetic location: 16p11.2.
Variant type: single nucleotide variant.
Coding change: c.2769C>T on transcript NM_014712.3 (MANE Select); coding-DNA position 2769, C replaced by T.
Protein change: p.Asp923=; no amino-acid change (aspartic acid 923 retained).
Molecular consequence: synonymous variant.
Genome position (GRCh38, 1-based): chr16:30,967,587, C>T. VCF-style: chr16-30967587-C-T. GRCh37 (hg19) VCF-style: chr16-30978908-C-T.
Identifiers: ClinVar variation 3250813 (VCV003250813.19), dbSNP rs763265030.
Genomic context (GRCh38, chr16:30,967,587, plus strand): 5'-TTCCGAGGCCAGTGAGGAAAAGAGGCCTCGTCCCTCCACTCCTGCTGAGGAAGATGAAGA[C>T]GGTGAGCAGGGTCAGGCATAAGGAGAAGGGGTGTGCTGCGTGGGTTCTGATGGGAGAGCA-3'
Protein context (NP_055527.1, residues 913-933): RPSTPAEEDE[Asp923=]DPEQEKEAGE